The following is an entry in ClinVar:

ClinVar aggregate classification (germline): Uncertain significance (1 of 4 stars; one submission).

Conditions:
Cardiovascular phenotype. Identifiers: MedGen CN230736.

Submission:

Ambry Genetics
Classification: Uncertain significance for Cardiovascular phenotype. Last evaluated: 2025-02-13. Review status: criteria provided, single submitter. Criteria: Ambry Variant Classification Scheme 2023. Collection method: clinical testing. Allele origin: germline.
Comment: The p.V93D variant (also known as c.278T>A), located in coding exon 3 of the ABCA1 gene, results from a T to A substitution at nucleotide position 278. The valine at codon 93 is replaced by aspartic acid, an amino acid with highly dissimilar properties. This amino acid position is conserved. In addition, this alteration is predicted to be deleterious by in silico analysis. Based on the available evidence, the clinical significance of this variant remains unclear.

NM_005502.4(ABCA1):c.278T>A (p.Val93Asp)

Gene: ABCA1 (ATP binding cassette subfamily A member 1; minus strand). Cytogenetic location: 9q31.1.
Variant type: single nucleotide variant.
Coding change: c.278T>A on transcript NM_005502.4 (MANE Select); coding-DNA position 278, T replaced by A.
Protein change: p.Val93Asp; replaces valine 93 with aspartic acid.
Molecular consequence: missense variant.
Genome position (GRCh38, 1-based): chr9:104,884,451, A>T on the plus strand (T>A on the coding strand, the complement: ABCA1 is on the minus strand). VCF-style: chr9-104884451-A-T. GRCh37 (hg19) VCF-style: chr9-107646732-A-T.
Other names: short protein forms V93D.
Identifiers: ClinVar variation 3834407 (VCV003834407.1).